The following is an entry in ClinVar:

NM_006302.3(MOGS):c.17G>A (p.Arg6Gln)

Gene: MOGS (mannosyl-oligosaccharide glucosidase; minus strand). Cytogenetic location: 2p13.1.
Variant type: single nucleotide variant.
Coding change: c.17G>A on transcript NM_006302.3 (MANE Select); coding-DNA position 17, G replaced by A.
Protein change: p.Arg6Gln; replaces arginine 6 with glutamine.
Molecular consequence: missense variant. On other transcripts: intron variant (1).
Genome position (GRCh38, 1-based): chr2:74,465,231, C>T on the plus strand (G>A on the coding strand, the complement: MOGS is on the minus strand). VCF-style: chr2-74465231-C-T. GRCh37 (hg19) VCF-style: chr2-74692358-C-T.
Other names: c.-59+83G>A (NM_001146158.2); short protein forms R6Q.
Identifiers: ClinVar variation 2196285 (VCV002196285.1), dbSNP rs2529506229, ClinGen allele CA347383880.

ClinVar aggregate classification (germline): Uncertain significance (1 of 4 stars; one submission).

Conditions:
MOGS-congenital disorder of glycosylation. Also called: MOGS-CDG; CDG IIb; GLUCOSIDASE I DEFICIENCY; CDG 2B. Identifiers: Orphanet 79330, MedGen C1853736, MONDO:0011629, OMIM 606056.

Allele frequency attached by ClinVar (database versions not stated): gnomAD exomes below 0.00001.
gnomAD v4.1: 2 of 1,444,780 alleles (0.00014%); highest among the groups gnomAD compares: Admixed American, 0.0059%; no homozygotes.

Submission:

Labcorp Genetics (formerly Invitae), Labcorp
Classification: Uncertain significance for MOGS-congenital disorder of glycosylation. Last evaluated: 2022-06-25. Review status: criteria provided, single submitter. Criteria: Invitae Variant Classification Sherloc (09022015). Collection method: clinical testing. Allele origin: germline.
Comment: This sequence change replaces arginine, which is basic and polar, with glutamine, which is neutral and polar, at codon 6 of the MOGS protein (p.Arg6Gln). This variant is not present in population databases (gnomAD no frequency). This variant has not been reported in the literature in individuals affected with MOGS-related conditions. Algorithms developed to predict the effect of missense changes on protein structure and function are either unavailable or do not agree on the potential impact of this missense change (SIFT: "Tolerated"; PolyPhen-2: "Possibly Damaging"; Align-GVGD: "Class C0"). In summary, the available evidence is currently insufficient to determine the role of this variant in disease. Therefore, it has been classified as a Variant of Uncertain Significance.